The following is an entry in ClinVar:

ClinVar aggregate classification (germline): Likely benign. Review status: criteria provided, multiple submitters, no conflicts (2 of 4 stars). 4 submissions from 4 submitters: Likely benign (4). Last evaluated 2026-01-01.

Conditions:
CNGA3-related disorder. Also called: CNGA3-related condition.

Allele frequency attached by ClinVar (database versions not stated): 1000 Genomes Project 0.00020; ESP Exome Variant Server 0.00023; TOPMed 0.00024; gnomAD 0.00025 and 0.00027; gnomAD exomes 0.00026 and 0.00029; 1000 Genomes Project 30x 0.00031; ExAC 0.00036.
gnomAD v4.1: 423 of 1,614,110 alleles (0.026%); highest among the groups gnomAD compares: Middle Eastern, 0.066%; 1 homozygote.

Submissions (4):

CeGaT Center for Human Genetics Tuebingen
Classification: Likely benign. Last evaluated: 2026-01-01. Review status: criteria provided, single submitter. Criteria: CeGaT Center For Human Genetics Tuebingen Variant Classification Criteria Version 2. Collection method: clinical testing. Allele origin: germline. Affected: yes. Observed: 1 variant allele.
Comment: CNGA3: BP4, BP7

Labcorp Genetics (formerly Invitae), Labcorp
Classification: Likely benign. Last evaluated: 2025-12-21. Review status: criteria provided, single submitter. Criteria: Invitae Variant Classification Sherloc (09022015). Collection method: clinical testing. Allele origin: germline.

PreventionGenetics, part of Exact Sciences
Classification: Likely benign for CNGA3-related condition. Last evaluated: 2025-03-12. Review status: criteria provided, single submitter. Criteria: ACMG Guidelines, 2015. Collection method: clinical testing. Allele origin: germline.
Comment: This variant is classified as likely benign based on ACMG/AMP sequence variant interpretation guidelines (Richards et al. 2015 PMID: 25741868, with internal and published modifications).

Blueprint Genetics
Classification: Likely benign. Last evaluated: 2024-11-07. Review status: criteria provided, single submitter. Criteria: ACMG Guidelines, 2015. Collection method: clinical testing. Allele origin: germline.

NM_001298.3(CNGA3):c.1776C>T (p.Pro592=)

Gene: CNGA3 (cyclic nucleotide gated channel subunit alpha 3; plus strand). Cytogenetic location: 2q11.2.
Variant type: single nucleotide variant.
Coding change: c.1776C>T on transcript NM_001298.3 (MANE Select); coding-DNA position 1776, C replaced by T.
Protein change: p.Pro592=; no amino-acid change (proline 592 retained).
Molecular consequence: synonymous variant.
Genome position (GRCh38, 1-based): chr2:98,396,946, C>T. VCF-style: chr2-98396946-C-T. GRCh37 (hg19) VCF-style: chr2-99013409-C-T.
Other names: c.1722C>T, p.Pro574= (NM_001079878.2).
Identifiers: ClinVar variation 777997 (VCV000777997.17), dbSNP rs201637471, ClinGen allele CA1794088.